The following is an entry in ClinVar:

NM_000498.3(CYP11B2):c.595+14G>A

Genes: CYP11B2 (cytochrome P450 family 11 subfamily B member 2; minus strand), LOC106799834 (CYP11B2 recombination region; plus strand). Cytogenetic location: 8q24.3.
Variant type: single nucleotide variant.
Coding change: c.595+14G>A on transcript NM_000498.3 (MANE Select); 14 bases into the intron after coding-DNA position 595, G replaced by A.
Molecular consequence: intron variant.
Genome position (GRCh38, 1-based): chr8:142,915,032, C>T on the plus strand (G>A on the coding strand, the complement: CYP11B2 is on the minus strand). VCF-style: chr8-142915032-C-T. GRCh37 (hg19) VCF-style: chr8-143996448-C-T.
Identifiers: ClinVar variation 362217 (VCV000362217.10), dbSNP rs5307, ClinGen allele CA4906160.

ClinVar aggregate classification (germline): Benign/Likely benign. Review status: criteria provided, multiple submitters, no conflicts (2 of 4 stars). 5 submissions from 3 submitters: Benign (2); Likely benign (3). Last evaluated 2026-01-27.

Conditions:
Glucocorticoid-remediable aldosteronism. Also called: Hyperaldosteronism, familial, type I; ACTH-DEPENDENT HYPERALDOSTERONISM SYNDROME; ALDOSTERONISM, SENSITIVE TO DEXAMETHASONE; FH I; GLUCOCORTICOID-SUPPRESSIBLE HYPERALDOSTERONISM. Identifiers: Orphanet 403, MedGen C3838731, MONDO:0007080, OMIM 103900.
Corticosterone methyloxidase type 2 deficiency. Also called: 18-OXIDASE DEFICIENCY; ALDOSTERONE DEFICIENCY DUE TO DEFICIENCY OF STEROID 18-OXIDASE; ALDOSTERONE DEFICIENCY II; CMO II DEFICIENCY; STEROID 18-OXIDASE DEFICIENCY. Identifiers: Orphanet 427, MedGen C3463917, MONDO:0012524, OMIM 610600. Disease mechanism: loss of function.
Corticosterone 18-monooxygenase deficiency. Also called: ALDOSTERONE DEFICIENCY DUE TO DEFECT IN STEROID 18-HYDROXYLASE; ALDOSTERONE DEFICIENCY I; CMO I DEFICIENCY; STEROID 18-HYDROXYLASE DEFICIENCY; 18 Hydroxylase deficiency; Aldosterone deficiency due to defect in 18 hydroxylase. Identifiers: Orphanet 427, MedGen C0268293, MONDO:0008751, OMIM 203400. Disease mechanism: loss of function.

Allele frequency attached by ClinVar (database versions not stated): gnomAD exomes 0.00012 and 0.00037; ExAC 0.00044; gnomAD 0.00110 and 0.00113; ESP Exome Variant Server 0.00115; TOPMed 0.00115; 1000 Genomes Project 30x 0.00187; 1000 Genomes Project 0.00220.
gnomAD v4.1: 355 of 1,613,546 alleles (0.022%); highest among the groups gnomAD compares: African/African-American, 0.35%; 6 homozygotes.

Submissions (5):

Labcorp Genetics (formerly Invitae), Labcorp
Classification: Benign. Last evaluated: 2026-01-27. Review status: criteria provided, single submitter. Criteria: Invitae Variant Classification Sherloc (09022015). Collection method: clinical testing. Allele origin: germline.

Illumina Laboratory Services, Illumina
Classification: Likely benign for Corticosterone 18-monooxygenase deficiency. Last evaluated: 2018-01-13. Review status: criteria provided, single submitter. Criteria: ICSL Variant Classification Criteria 13 December 2019. Collection method: clinical testing. Allele origin: germline.
Comment: This variant was observed in the ICSL laboratory as part of a predisposition screen in an ostensibly healthy population. It had not been previously curated by ICSL or reported in the Human Gene Mutation Database (HGMD: prior to June 1st, 2018), and was therefore a candidate for classification through an automated scoring system. Utilizing variant allele frequency, disease prevalence and penetrance estimates, and inheritance mode, an automated score was calculated to assess if this variant is too frequent to cause the disease. Based on the score and internal cut-off values, a variant classified as likely benign is not then subjected to further curation. The score for this variant resulted in a classification of likely benign for this disease.

Illumina Laboratory Services, Illumina
Classification: Likely benign for Corticosterone methyloxidase type 2 deficiency. Last evaluated: 2018-01-13. Review status: criteria provided, single submitter. Criteria: ICSL Variant Classification Criteria 13 December 2019. Collection method: clinical testing. Allele origin: germline.
Comment: the same text as in the submission from Illumina Laboratory Services, Illumina above.

Illumina Laboratory Services, Illumina
Classification: Benign for Hyperaldosteronism, familial, type I. Last evaluated: 2018-01-13. Review status: criteria provided, single submitter. Criteria: ICSL Variant Classification Criteria 13 December 2019. Collection method: clinical testing. Allele origin: germline.
Comment: This variant was observed in the ICSL laboratory as part of a predisposition screen in an ostensibly healthy population. It had not been previously curated by ICSL or reported in the Human Gene Mutation Database (HGMD: prior to June 1st, 2018), and was therefore a candidate for classification through an automated scoring system. Utilizing variant allele frequency, disease prevalence and penetrance estimates, and inheritance mode, an automated score was calculated to assess if this variant is too frequent to cause the disease. Based on the score and internal cut-off values, a variant classified as benign is not then subjected to further curation. The score for this variant resulted in a classification of benign for this disease.

Breakthrough Genomics
Classification: Likely benign. Review status: criteria provided, single submitter. Criteria: ACMG Guidelines, 2015. Collection method: not provided. Allele origin: germline. Inheritance: Autosomal recessive inheritance. Affected: yes.